The following is an entry in ClinVar:

ClinVar aggregate classification (germline): Pathogenic. Review status: criteria provided, multiple submitters, no conflicts (2 of 4 stars). 4 submissions from 4 submitters: Pathogenic (4). Last evaluated 2024-12-16.

Conditions:
Familial adenomatous polyposis 1 (FAP1). Also called: FAMILIAL ADENOMATOUS POLYPOSIS 1, ATTENUATED; POLYPOSIS, ADENOMATOUS INTESTINAL. Identifiers: MedGen C2713442, MONDO:0021056, OMIM 175100. Disease mechanism: loss of function.
Hereditary cancer-predisposing syndrome. Also called: Hereditary Cancer Syndrome; Neoplastic Syndromes, Hereditary; Hereditary neoplastic syndrome; Tumor predisposition. Identifiers: Orphanet 140162, MedGen C0027672, MeSH D009386, MONDO:0015356.
Familial multiple polyposis syndrome (FAP). Also called: Classic familial adenomatous polyposis; Familial adenomatous polyposis; Familial intestinal polyposis; Familial Adenomatous Polyposis (FAP); Familial polyposis. Identifiers: Orphanet 733, MedGen C0032580, MONDO:0021055. Disease mechanism: loss of function.

Submissions (4):

Ambry Genetics
Classification: Pathogenic for Hereditary cancer-predisposing syndrome. Last evaluated: 2024-12-16. Review status: criteria provided, single submitter. Criteria: Ambry Variant Classification Scheme 2023. Collection method: clinical testing. Allele origin: germline.
Comment: The c.3184_3187delCAAA pathogenic mutation, located in coding exon 15 of the APC gene, results from a deletion of 4 nucleotides at nucleotide positions 3184 to 3187, causing a translational frameshift with a predicted alternate stop codon (p.Q1062Vfs*63). This alteration occurs at the 3' terminus of theAPC gene, is not expected to trigger nonsense-mediated mRNA decay, and impacts 62.3% of the protein. However, premature stop codons are typically deleterious in nature and a significant portion of the protein is affected and the impacted region is critical for protein function (Ambry internal data). This variant was reported in individual(s) with features consistent with APC-related familial adenomatous polyposis (Mandl M et al. Hum. Mol. Genet., 1994 Jan;3:181-4; Dobbie Z et al. J. Med. Genet., 1996 Apr;33:274-80; Friedl W et al. Hered Cancer Clin Pract, 2005 Sep;3:95-114; Plawski A et al. J. Appl. Genet., 2008;49:407-14). This variant is considered to be rare based on population cohorts in the Genome Aggregation Database (gnomAD). Based on the supporting evidence, this variant is interpreted as a disease-causing mutation.

Labcorp Genetics (formerly Invitae), Labcorp
Classification: Pathogenic for Familial adenomatous polyposis 1. Last evaluated: 2024-07-17. Review status: criteria provided, single submitter. Criteria: Invitae Variant Classification Sherloc (09022015). Collection method: clinical testing. Allele origin: germline.
Comment: This sequence change creates a premature translational stop signal (p.Gln1062Valfs*63) in the APC gene. While this is not anticipated to result in nonsense mediated decay, it is expected to disrupt the last 1782 amino acid(s) of the APC protein. This variant is not present in population databases (gnomAD no frequency). This premature translational stop signal has been observed in individual(s) with familial adenomatous polyposis (PMID: 8730280, 20223039, 20685668). ClinVar contains an entry for this variant (Variation ID: 428100). This variant is expected to disrupt the EB1 and HDLG binding sites, which mediate interactions with the cytoskeleton (PMID: 15311282, 17293347). While functional studies have not been performed to directly test the effect on APC protein function, this suggests that disruption of the C-terminal portion of the protein is functionally important. A different truncation (p.Tyr2645Lysfs*14) that lies downstream of this variant has been determined to be pathogenic (PMID: 9824584, 1316610, 27081525, 8381579, 22135120, Invitae). This suggests that deletion of this region of the APC protein is causative of disease. For these reasons, this variant has been classified as Pathogenic.

Myriad Genetics, Inc.
Classification: Pathogenic for Familial adenomatous polyposis 1. Last evaluated: 2023-05-05. Review status: criteria provided, single submitter. Criteria: Myriad Autosomal Dominant, Autosomal Recessive and X-Linked Classification Criteria (2023). Collection method: clinical testing. Allele origin: unknown.
Comment: This variant is considered pathogenic. This variant creates a frameshift predicted to result in premature protein truncation.

Women's Health and Genetics/Laboratory Corporation of America, LabCorp
Classification: Pathogenic for Familial adenomatous polyposis. Last evaluated: 2019-09-06. Review status: criteria provided, single submitter. Criteria: LabCorp Variant Classification Summary - May 2015. Collection method: clinical testing. Allele origin: germline.
Comment: Variant summary: APC c.3184_3187delCAAA (p.Gln1062ValfsX63) results in a premature termination codon, predicted to cause a truncation of the encoded protein or absence of the protein due to nonsense mediated decay, which are commonly known mechanisms for disease. The variant was absent in 250490 control chromosomes (gnomAD). c.3184_3187delCAAA has been reported in the literature in multiple individuals affected with Familial Adenomatous Polyposis (e.g. Miyaki_1994, vanderLuijt_1997, Plawski_2008). These data indicate that the variant is likely to be associated with disease. To our knowledge, no experimental evidence demonstrating an impact on protein function has been reported. One clinical diagnostic laboratory has submitted clinical-significance assessments for this variant to ClinVar after 2014, and classified the variant as pathogenic. Based on the evidence outlined above, the variant was classified as pathogenic.

Literature cited by the submitters: PubMed 10768871 (cited by Ambry Genetics); PubMed 19029688 (cited by Ambry Genetics and Women's Health and Genetics/Laboratory Corporation of America, LabCorp); PubMed 20223039 (cited by Ambry Genetics and Labcorp Genetics (formerly Invitae), Labcorp); PubMed 8162022 (cited by Ambry Genetics); PubMed 8187091 (cited by Ambry Genetics and Women's Health and Genetics/Laboratory Corporation of America, LabCorp); PubMed 8730280 (cited by Ambry Genetics and Labcorp Genetics (formerly Invitae), Labcorp); PubMed 8990002 (cited by Ambry Genetics and Women's Health and Genetics/Laboratory Corporation of America, LabCorp); PubMed 20685668 (cited by Labcorp Genetics (formerly Invitae), Labcorp); PubMed 15311282 (cited by Labcorp Genetics (formerly Invitae), Labcorp); PubMed 17293347 (cited by Labcorp Genetics (formerly Invitae), Labcorp); PubMed 9824584 (cited by Labcorp Genetics (formerly Invitae), Labcorp); PubMed 1316610 (cited by Labcorp Genetics (formerly Invitae), Labcorp); PubMed 27081525 (cited by Labcorp Genetics (formerly Invitae), Labcorp); PubMed 8381579 (cited by Labcorp Genetics (formerly Invitae), Labcorp); PubMed 22135120 (cited by Labcorp Genetics (formerly Invitae), Labcorp).

NM_000038.6(APC):c.3184_3187del (p.Gln1062fs)

Gene: APC (APC regulator of Wnt signaling pathway; plus strand). Cytogenetic location: 5q22.2.
Variant type: Deletion.
Coding change: c.3184_3187del on transcript NM_000038.6 (MANE Select); coding-DNA positions 3184 to 3187, 4 bases deleted (CAAA; older notation c.3184_3187delCAAA).
Protein change: p.Gln1062fs; shifts the reading frame from glutamine 1062.
Molecular consequence: frameshift variant.
Genome position (GRCh38, 1-based): chr5:112,838,778-112,838,781, CAAA deleted; deleting any 4 consecutive bases within chr5:112,838,775-112,838,781 gives the same sequence; the c. name uses the placement nearest the transcript's 3' end. VCF-style (leftmost placement, unchanged base first): chr5-112838774-AAAAC-A. GRCh37 (hg19) VCF-style: chr5-112174471-AAAAC-A.
Other names: c.3184_3187del, p.Gln1062fs (NM_001127510.3, NM_001354895.2); c.3130_3133del, p.Gln1044fs (NM_001127511.3); c.3238_3241del, p.Gln1080fs (NM_001354896.2); c.3214_3217del, p.Gln1072fs (NM_001354897.2); c.3109_3112del, p.Gln1037fs (NM_001354898.2); c.3100_3103del, p.Gln1034fs (NM_001354899.2); c.3061_3064del, p.Gln1021fs (NM_001354900.2); c.3007_3010del, p.Gln1003fs (NM_001354901.2); and 6 more; short protein forms Q1037fs, Q1062fs, Q779fs, Q1072fs, Q902fs, Q936fs, Q961fs, Q971fs.
Identifiers: ClinVar variation 428100 (VCV000428100.19), dbSNP rs1114167551, ClinGen allele CA645369372.